The following is an entry in ClinVar:

ClinVar aggregate classification (germline): Uncertain significance. Review status: criteria provided, multiple submitters, no conflicts (2 of 4 stars). 2 submissions from 2 submitters: Uncertain significance (2). Last evaluated 2026-04-05.

Conditions:
Spastic paraplegia. Identifiers: MedGen C0037772, HP:0001258.

Submissions (2):

GeneDx
Classification: Uncertain significance. Last evaluated: 2026-04-05. Review status: criteria provided, single submitter. Criteria: GeneDx Variant Classification Process June 2021. Collection method: clinical testing. Allele origin: germline.
Comment: Not observed at significant frequency in large population cohorts (gnomAD); In silico analysis supports that this missense variant has a deleterious effect on protein structure/function; Has not been previously published as pathogenic or benign to our knowledge; This variant is associated with the following publications: (PMID: 33388707, 38028604)

Labcorp Genetics (formerly Invitae), Labcorp
Classification: Uncertain significance for Spastic paraplegia. Last evaluated: 2016-08-25. Review status: criteria provided, single submitter. Criteria: Invitae Variant Classification Sherloc (09022015). Collection method: clinical testing. Allele origin: germline.
Comment: In summary, this variant is a novel missense change with uncertain impact on protein function. It has been classified as a Variant of Uncertain Significance. Algorithms developed to predict the effect of missense changes on protein structure and function (SIFT, PolyPhen-2, Align-GVGD) all suggest that this variant is likely to be disruptive, but these predictions have not been confirmed by published functional studies. This variant is not present in population databases (ExAC no frequency) and has not been reported in the literature in individuals with a KIF5A-related disease. This sequence change replaces serine with leucine at codon 90 of the KIF5A protein (p.Ser90Leu). The serine residue is highly conserved and there is a large physicochemical difference between serine and leucine.

NM_004984.4(KIF5A):c.269C>T (p.Ser90Leu)

Gene: KIF5A (kinesin family member 5A; plus strand). Cytogenetic location: 12q13.3.
Variant type: single nucleotide variant.
Coding change: c.269C>T on transcript NM_004984.4 (MANE Select); coding-DNA position 269, C replaced by T.
Protein change: p.Ser90Leu; replaces serine 90 with leucine.
Molecular consequence: missense variant. On other transcripts: intron variant (1).
Genome position (GRCh38, 1-based): chr12:57,563,671, C>T. VCF-style: chr12-57563671-C-T. GRCh37 (hg19) VCF-style: chr12-57957454-C-T.
Other names: c.130-789C>T (NM_001354705.2); short protein forms S90L.
Identifiers: ClinVar variation 409670 (VCV000409670.12), dbSNP rs1060502524, ClinGen allele CA16613834.